The following is an entry in ClinVar:

ClinVar aggregate classification (germline): Uncertain significance (1 of 4 stars; one submission).

Conditions:
Neurofibromatosis, type 1 (NF1). Also called: Neurofibromatosis, type I; NEUROFIBROMATOSIS, TYPE I, SOMATIC; Peripheral type neurofibromatosis; VON RECKLINGHAUSEN DISEASE. Identifiers: Orphanet 636, MedGen C0027831, MONDO:0018975, OMIM 162200. Disease mechanism: loss of function.

Submission:

Labcorp Genetics (formerly Invitae), Labcorp
Classification: Uncertain significance for Neurofibromatosis, type 1. Last evaluated: 2016-07-17. Review status: criteria provided, single submitter. Criteria: Invitae Variant Classification Sherloc (09022015). Collection method: clinical testing. Allele origin: germline.
Comment: In summary, this variant is a novel missense change that is not predicted to affect protein function. There is no indication that it causes disease, but the available evidence is currently insufficient to prove that conclusively. Therefore, it has been classified as a Variant of Uncertain Significance. Algorithms developed to predict the effect of missense changes on protein structure and function output the following: (SIFT: "Tolerated"; PolyPhen-2: "Benign"; Align-GVGD: "Class C0"). The serine amino acid residue is also found in multiple mammalian species, suggesting that this missense change does not adversely affect protein function. These predictions have not been confirmed by published functional studies. This variant is not present in population databases (ExAC no frequency) and has not been reported in the literature in individuals with a NF1-related disease. This sequence change replaces alanine with serine at codon 1746 of the NF1 protein (p.Ala1746Ser). The alanine residue is moderately conserved and there is a moderate physicochemical difference between alanine and serine.

NM_001042492.3(NF1):c.5299G>T (p.Ala1767Ser)

Gene: NF1 (neurofibromin 1; plus strand). Cytogenetic location: 17q11.2.
Variant type: single nucleotide variant.
Coding change: c.5299G>T on transcript NM_001042492.3 (MANE Select); coding-DNA position 5299, G replaced by T.
Protein change: p.Ala1767Ser; replaces alanine 1767 with serine.
Molecular consequence: missense variant.
Genome position (GRCh38, 1-based): chr17:31,327,529, G>T. VCF-style: chr17-31327529-G-T. GRCh37 (hg19) VCF-style: chr17-29654547-G-T.
Other names: c.5236G>T, p.Ala1746Ser (NM_000267.4); short protein forms A1746S, A1767S.
Identifiers: ClinVar variation 404619 (VCV000404619.5), dbSNP rs529905904, ClinGen allele CA16615280.